The following is an entry in ClinVar:

ClinVar aggregate classification (germline): Conflicting classifications of pathogenicity. Review status: criteria provided, conflicting classifications (1 of 4 stars). 6 submissions from 6 submitters: Uncertain significance (1); Likely benign (5). Last evaluated 2026-07-01.

Conditions:
Inborn genetic diseases. Identifiers: MedGen C0950123, MeSH D030342.

Submissions (6):

CeGaT Center for Human Genetics Tuebingen
Classification: Likely benign. Last evaluated: 2026-07-01. Review status: criteria provided, single submitter. Criteria: CeGaT Center For Human Genetics Tuebingen Variant Classification Criteria Version 2. Collection method: clinical testing. Allele origin: germline. Affected: yes. Observed: 7 variant alleles.
Comment: SMARCA2: BS1

Blueprint Genetics
Classification: Likely benign. Last evaluated: 2024-09-25. Review status: criteria provided, single submitter. Criteria: ACMG Guidelines, 2015. Collection method: clinical testing. Allele origin: germline.

ARUP Laboratories, Molecular Genetics and Genomics, ARUP Laboratories
Classification: Likely benign. Last evaluated: 2024-09-16. Review status: criteria provided, single submitter. Criteria: ARUP Molecular Germline Variant Investigation Process 2024. Collection method: clinical testing. Allele origin: germline.

Labcorp Genetics (formerly Invitae), Labcorp
Classification: Uncertain significance. Last evaluated: 2022-08-16. Review status: criteria provided, single submitter. Criteria: Invitae Variant Classification Sherloc (09022015). Collection method: clinical testing. Allele origin: germline.
Comment: In summary, the available evidence is currently insufficient to determine the role of this variant in disease. Therefore, it has been classified as a Variant of Uncertain Significance. Experimental studies and prediction algorithms are not available or were not evaluated, and the functional significance of this variant is currently unknown. This variant has not been reported in the literature in individuals affected with SMARCA2-related conditions. This variant is not present in population databases (gnomAD no frequency). This variant, c.696_707del, results in the deletion of 4 amino acid(s) of the SMARCA2 protein (p.Gln235_Gln238del), but otherwise preserves the integrity of the reading frame.

Ambry Genetics
Classification: Likely benign for Inborn genetic diseases. Last evaluated: 2021-08-30. Review status: criteria provided, single submitter. Criteria: Ambry Variant Classification Scheme 2023. Collection method: clinical testing. Allele origin: germline.

GeneDx
Classification: Likely benign. Last evaluated: 2021-03-03. Review status: criteria provided, single submitter. Criteria: GeneDx Variant Classification Process June 2021. Collection method: clinical testing. Allele origin: germline. Affected: yes.

NM_003070.5(SMARCA2):c.669GCA[9] (p.Gln235_Gln238del)

Gene: SMARCA2 (SWI/SNF related BAF chromatin remodeling complex subunit ATPase 2; plus strand). Cytogenetic location: 9p24.3.
Variant type: Microsatellite.
Coding change: c.669GCA[9] on transcript NM_003070.5 (MANE Select); nine copies in a row of the 3-base unit GCA starting at c.669; the reference has 13 copies in a row; four copies, 12 bases deleted.
Protein change: p.Gln235_Gln238del.
Molecular consequence: inframe deletion. On other transcripts: inframe indel (1).
Genome position (GRCh38, 1-based): chr9:2,039,806-2,039,817, GCAGCAGCAGCA deleted; deleting any 12 consecutive bases within chr9:2,039,777-2,039,817 gives the same sequence; the position shown is the placement nearest the transcript's 3' end. VCF-style (leftmost placement, unchanged base first): chr9-2039776-ACAGCAGCAGCAG-A. GRCh37 (hg19) VCF-style: chr9-2039776-ACAGCAGCAGCAG-A.
Other names: c.669_671GCA[9], p.Gln235_Gln238del (NM_001289396.2); c.669GCA[9], p.Gln235_Gln238del (NM_001289397.2, NM_139045.4); c.696_707del12 (NM_003070.3).
Identifiers: ClinVar variation 588716 (VCV000588716.40), dbSNP rs113070757, ClinGen allele CA862005491.
Genomic context (GRCh38, chr9:2,039,776, plus strand): 5'-GCAGCTTGCAGTCCAGGGGAAAAGGACGTTGCCTGGCTTGCAGCAACAACAGCAGCAGCA[ACAGCAGCAGCAG>A]CAGCAGCAGCAGCAGCAGCAGCAGCAGCAACAGCAGCCGCAGCAGCAGCCGCCGCAACCA-3'